The following is an entry in ClinVar:

NM_016138.5(COQ7):c.252+5G>A

Gene: COQ7 (coenzyme Q7, hydroxylase; plus strand). Cytogenetic location: 16p12.3.
Variant type: single nucleotide variant.
Coding change: c.252+5G>A on transcript NM_016138.5 (MANE Select); 5 bases into the intron after coding-DNA position 252, G replaced by A.
Molecular consequence: intron variant.
Genome position (GRCh38, 1-based): chr16:19,072,111, G>A. VCF-style: chr16-19072111-G-A. GRCh37 (hg19) VCF-style: chr16-19083433-G-A.
Other names: c.252+5G>A (NM_001370490.1); c.138+5G>A (NM_001370494.1, NM_001190983.2, NM_001370495.1 and 2 more transcripts); c.210+5G>A (NM_001370489.1, NM_001370491.1).
Identifiers: ClinVar variation 3344892 (VCV003344892.1).

ClinVar aggregate classification (germline): Uncertain significance (0 of 4 stars; one submission).

Conditions:
COQ7-related disorder. Also called: COQ7-related condition.

gnomAD v4.1: 9 of 1,614,058 alleles (0.00056%); highest among the groups gnomAD compares: Non-Finnish European, 0.00076%; no homozygotes.

Submission:

PreventionGenetics, part of Exact Sciences
Classification: Uncertain significance for COQ7-related condition. Last evaluated: 2024-05-08. Review status: no assertion criteria provided. Collection method: clinical testing. Allele origin: germline.
Comment: The COQ7 c.252+5G>A variant is predicted to interfere with splicing. To our knowledge, this variant has not been reported in the literature or in a large population database, indicating this variant is rare. At this time, the clinical significance of this variant is uncertain due to the absence of conclusive functional and genetic evidence.